The following is an entry in ClinVar:

NM_013382.7(POMT2):c.661T>A (p.Phe221Ile)

Genes: POMT2 (protein O-mannosyltransferase 2; minus strand), LOC130056175 (ATAC-STARR-seq lymphoblastoid silent region 5968; plus strand). Cytogenetic location: 14q24.3.
Variant type: single nucleotide variant.
Coding change: c.661T>A on transcript NM_013382.7 (MANE Select); coding-DNA position 661, T replaced by A.
Protein change: p.Phe221Ile; replaces phenylalanine 221 with isoleucine.
Molecular consequence: missense variant.
Genome position (GRCh38, 1-based): chr14:77,301,245, A>T on the plus strand (T>A on the coding strand, the complement: POMT2 is on the minus strand). VCF-style: chr14-77301245-A-T. GRCh37 (hg19) VCF-style: chr14-77767588-A-T.
Other names: short protein forms F221I.
Identifiers: ClinVar variation 807153 (VCV000807153.50), dbSNP rs746803006, ClinGen allele CA7286112.

ClinVar aggregate classification (germline): Conflicting classifications of pathogenicity. Review status: criteria provided, conflicting classifications (1 of 4 stars). 5 submissions from 5 submitters: Likely pathogenic (1); Uncertain significance (4). Last evaluated 2025-02-04.

Conditions:
Muscular dystrophy-dystroglycanopathy (congenital with brain and eye anomalies), type A2. Also called: MUSCULAR DYSTROPHY-DYSTROGLYCANOPATHY (CONGENITAL WITH BRAIN AND EYE ANOMALIES), TYPE A, 2; WALKER-WARBURG SYNDROME OR MUSCLE-EYE-BRAIN DISEASE, POMT2-RELATED. Identifiers: Orphanet 588, Orphanet 899, MedGen C3150411, MONDO:0013154, OMIM 613150.
POMT2-related disorder. Also called: POMT2-related condition.
Muscular dystrophy-dystroglycanopathy (congenital with impaired intellectual development), type B, 2. Also called: MUSCULAR DYSTROPHY, CONGENITAL, POMT2-RELATED; Muscular dystrophy-dystroglycanopathy (congenital with intellectual disability), type B2. Identifiers: MedGen C3150416, MONDO:0013160, OMIM 613156.
Autosomal recessive limb-girdle muscular dystrophy type 2N. Also called: MUSCULAR DYSTROPHY-DYSTROGLYCANOPATHY, LIMB-GIRDLE, POMT2-RELATED; Muscular dystrophy-dystroglycanopathy (limb-girdle), type C, 2. Identifiers: Orphanet 206559, MedGen C3150418, MONDO:0013162, OMIM 613158.

Allele frequency attached by ClinVar (database versions not stated): ExAC 0.00004; gnomAD exomes 0.00004 and 0.00002; TOPMed 0.00001; gnomAD 0.00001.
gnomAD v4.1: 37 of 1,614,014 alleles (0.0023%); highest among the groups gnomAD compares: Non-Finnish European, 0.0027%; no homozygotes.

Submissions (5):

PreventionGenetics, part of Exact Sciences
Classification: Uncertain significance for POMT2-related condition. Last evaluated: 2025-02-04. Review status: criteria provided, single submitter. Criteria: ACMG Guidelines, 2015. Collection method: clinical testing. Allele origin: germline.
Comment: The POMT2 c.661T>A variant is predicted to result in the amino acid substitution p.Phe221Ile. To our knowledge, this variant has not been reported in the literature. This variant is reported in 0.0079% of alleles in individuals of European (Non-Finnish) descent in gnomAD. At this time, the clinical significance of this variant is uncertain due to the absence of conclusive functional and genetic evidence.

Revvity Omics, Revvity
Classification: Uncertain significance. Last evaluated: 2024-11-15. Review status: criteria provided, single submitter. Criteria: ACMG Guidelines, 2015. Collection method: clinical testing. Allele origin: germline.

MVZ Martinsried, Medicover Genetics
Classification: Likely pathogenic for Muscular dystrophy-dystroglycanopathy (congenital with brain and eye anomalies), type A2. Last evaluated: 2024-07-24. Review status: criteria provided, single submitter. Criteria: ACGS Guidelines, 2020. Collection method: clinical testing. Allele origin: inherited. Affected: yes. Observed: 1 compound heterozygote.

Labcorp Genetics (formerly Invitae), Labcorp
Classification: Uncertain significance for Muscular dystrophy-dystroglycanopathy (congenital with impaired intellectual development), type B, 2; Muscular dystrophy-dystroglycanopathy (congenital with brain and eye anomalies), type A2; Autosomal recessive limb-girdle muscular dystrophy type 2N. Last evaluated: 2024-04-05. Review status: criteria provided, single submitter. Criteria: Invitae Variant Classification Sherloc (09022015). Collection method: clinical testing. Allele origin: germline.
Comment: This sequence change replaces phenylalanine, which is neutral and non-polar, with isoleucine, which is neutral and non-polar, at codon 221 of the POMT2 protein (p.Phe221Ile). This variant is present in population databases (rs746803006, gnomAD 0.008%). This variant has not been reported in the literature in individuals affected with POMT2-related conditions. ClinVar contains an entry for this variant (Variation ID: 807153). Advanced modeling of protein sequence and biophysical properties (such as structural, functional, and spatial information, amino acid conservation, physicochemical variation, residue mobility, and thermodynamic stability) has been performed at Invitae for this missense variant, however the output from this modeling did not meet the statistical confidence thresholds required to predict the impact of this variant on POMT2 protein function. In summary, the available evidence is currently insufficient to determine the role of this variant in disease. Therefore, it has been classified as a Variant of Uncertain Significance.

CeGaT Center for Human Genetics Tuebingen
Classification: Uncertain significance. Last evaluated: 2016-06-01. Review status: criteria provided, single submitter. Criteria: CeGaT Center For Human Genetics Tuebingen Variant Classification Criteria Version 2. Collection method: clinical testing. Allele origin: germline. Affected: yes. Observed: 1 variant allele.